The following is an entry in ClinVar:

NM_001127511.3(APC):c.-17G>C

Gene: APC (APC regulator of Wnt signaling pathway; plus strand). Cytogenetic location: 5q22.2.
Variant type: single nucleotide variant.
Coding change: c.-17G>C on transcript NM_001127511.3; 17 bases upstream of the start codon, G replaced by C.
Molecular consequence: 5 prime UTR variant. On other transcripts: non-coding transcript variant (1), intron variant (5).
Genome position (GRCh38, 1-based): chr5:112,707,701, G>C. VCF-style: chr5-112707701-G-C. GRCh37 (hg19) VCF-style: chr5-112043398-G-C.
Other names: c.-200G>C (NM_001354895.2, NM_001407447.1, NM_001407452.1 and 3 more transcripts); c.-17G>C (NM_001354897.2, NM_001354902.2, NM_001407446.1); c.-1235G>C (NM_001407470.1, NM_001407472.1); c.-19+52G>C (NM_001407448.1, NM_001407450.1, NM_001407457.1 and 1 more transcripts); c.-43+52G>C (NM_001407453.1).
Identifiers: ClinVar variation 1039118 (VCV001039118.7), dbSNP rs1750598442, ClinGen allele CA1573442644.

ClinVar aggregate classification (germline): Uncertain significance (1 of 4 stars; one submission).

Conditions:
Familial adenomatous polyposis 1 (FAP1). Also called: FAMILIAL ADENOMATOUS POLYPOSIS 1, ATTENUATED; POLYPOSIS, ADENOMATOUS INTESTINAL. Identifiers: MedGen C2713442, MONDO:0021056, OMIM 175100. Disease mechanism: loss of function.

Submission:

Labcorp Genetics (formerly Invitae), Labcorp
Classification: Uncertain significance for Familial adenomatous polyposis 1. Last evaluated: 2024-08-08. Review status: criteria provided, single submitter. Criteria: Invitae Variant Classification Sherloc (09022015). Collection method: clinical testing. Allele origin: germline.
Comment: This variant occurs in a non-coding region of the APC gene. It does not change the encoded amino acid sequence of the APC protein. This variant is not present in population databases (gnomAD no frequency). This variant has not been reported in the literature in individuals affected with APC-related conditions. Experimental studies and prediction algorithms are not available or were not evaluated, and the functional significance of this variant is currently unknown. In summary, the available evidence is currently insufficient to determine the role of this variant in disease. Therefore, it has been classified as a Variant of Uncertain Significance.